The following is an entry in ClinVar:

NM_001374736.1(DST):c.17856A>G (p.Glu5952=)

Gene: DST (dystonin; minus strand). Cytogenetic location: 6p12.1.
Variant type: single nucleotide variant.
Coding change: c.17856A>G on transcript NM_001374736.1 (MANE Select); coding-DNA position 17856, A replaced by G.
Protein change: p.Glu5952=; no amino-acid change (glutamic acid 5952 retained).
Molecular consequence: synonymous variant.
Genome position (GRCh38, 1-based): chr6:56,527,559, T>C on the plus strand (A>G on the coding strand, the complement: DST is on the minus strand). VCF-style: chr6-56527559-T-C. GRCh37 (hg19) VCF-style: chr6-56392357-T-C.
Other names: c.11499A>G, p.Glu3833= (NM_001144769.5); c.11085A>G, p.Glu3695= (NM_001144770.2); c.17856A>G, p.Glu5952= (NM_001374722.1); c.16896A>G, p.Glu5632= (NM_001374729.1); c.10638A>G, p.Glu3546= (NM_001374730.1); c.17883A>G, p.Glu5961= (NM_001374734.1); c.10965A>G, p.Glu3655= (NM_001386100.1, NM_183380.4); c.9987A>G, p.Glu3329= (NM_015548.5).
Identifiers: ClinVar variation 2147186 (VCV002147186.1), dbSNP rs757844735, ClinGen allele CA3867351.
Genomic context (GRCh38, chr6:56,527,559, plus strand): 5'-TCTCATTTGTGCTTGACTTGCTTCTTCTCCTTTCAGAACCTGAGTTTCATATGAAAGTAA[T>C]TCCACCTCCACTTTGTCCAGCCAGGTACACAGCTCTTCGTGTGTGGAGTGCAGCCGCCTT-3'
Protein context (NP_001361665.1, residues 5942-5962): LCTWLDKVEV[Glu5952=]LLSYETQVLK

ClinVar aggregate classification (germline): Uncertain significance (1 of 4 stars; one submission).

Conditions:
Hereditary sensory and autonomic neuropathy type 6. Also called: Neuropathy, hereditary sensory and autonomic, type VI; HSAN VI. Identifiers: Orphanet 314381, MedGen C3539003, MONDO:0013839, OMIM 614653.
Epidermolysis bullosa simplex 3, localized or generalized intermediate, with BP230 deficiency (EBS3). Also called: Epidermolysis bullosa simplex due to BP230 deficiency; Epidermolysis bullosa simplex, autosomal recessive 2. Identifiers: Orphanet 412181, MedGen C3809470, MONDO:0014180, OMIM 615425.

Allele frequency attached by ClinVar (database versions not stated): gnomAD exomes below 0.00001; TOPMed below 0.00001; gnomAD 0.00001; ExAC 0.00002.
gnomAD v4.1: 8 of 1,613,744 alleles (0.0005%); highest among the groups gnomAD compares: Non-Finnish European, 0.00068%; no homozygotes.

Submission:

Labcorp Genetics (formerly Invitae), Labcorp
Classification: Uncertain significance for Epidermolysis bullosa simplex 3, localized or generalized intermediate, with BP230 deficiency; Hereditary sensory and autonomic neuropathy type 6. Last evaluated: 2022-05-09. Review status: criteria provided, single submitter. Criteria: Invitae Variant Classification Sherloc (09022015). Collection method: clinical testing. Allele origin: germline.
Comment: The DST gene has multiple clinically relevant transcripts. This variant occurs in alternate transcript NM_015548.4, and corresponds to NM_001723.5:c.*87958A>G in the primary transcript. This sequence change affects codon 3329 of the DST mRNA. It is a 'silent' change, meaning that it does not change the encoded amino acid sequence of the DST protein. This variant is present in population databases (rs757844735, gnomAD 0.002%). This variant has not been reported in the literature in individuals affected with DST-related conditions. Experimental studies and prediction algorithms are not available or were not evaluated, and the effect of this variant on mRNA splicing is currently unknown. In summary, the available evidence is currently insufficient to determine the role of this variant in disease. Therefore, it has been classified as a Variant of Uncertain Significance.